The following is an entry in ClinVar:

ClinVar aggregate classification (germline): Uncertain significance (1 of 4 stars; one submission).

Allele frequency attached by ClinVar (database versions not stated): gnomAD exomes below 0.00001; ExAC 0.00001; gnomAD 0.00003; TOPMed 0.00003; ESP Exome Variant Server 0.00008.
gnomAD v4.1: 7 of 1,613,902 alleles (0.00043%); highest among the groups gnomAD compares: African/African-American, 0.008%; no homozygotes.

Submission:

Labcorp Genetics (formerly Invitae), Labcorp
Classification: Uncertain significance. Last evaluated: 2021-12-13. Review status: criteria provided, single submitter. Criteria: Invitae Variant Classification Sherloc (09022015). Collection method: clinical testing. Allele origin: germline.
Comment: This sequence change replaces serine, which is neutral and polar, with asparagine, which is neutral and polar, at codon 562 of the LRP6 protein (p.Ser562Asn). The frequency data for this variant in the population databases is considered unreliable, as metrics indicate poor data quality at this position in the gnomAD database. This variant has not been reported in the literature in individuals affected with LRP6-related conditions. Algorithms developed to predict the effect of missense changes on protein structure and function are either unavailable or do not agree on the potential impact of this missense change (SIFT: "Deleterious"; PolyPhen-2: "Benign"; Align-GVGD: "Class C0"). In summary, the available evidence is currently insufficient to determine the role of this variant in disease. Therefore, it has been classified as a Variant of Uncertain Significance.

NM_002336.3(LRP6):c.1685G>A (p.Ser562Asn)

Gene: LRP6 (LDL receptor related protein 6; minus strand). Cytogenetic location: 12p13.2.
Variant type: single nucleotide variant.
Coding change: c.1685G>A on transcript NM_002336.3 (MANE Select); coding-DNA position 1685, G replaced by A.
Protein change: p.Ser562Asn; replaces serine 562 with asparagine.
Molecular consequence: missense variant.
Genome position (GRCh38, 1-based): chr12:12,165,156, C>T on the plus strand (G>A on the coding strand, the complement: LRP6 is on the minus strand). VCF-style: chr12-12165156-C-T. GRCh37 (hg19) VCF-style: chr12-12318090-C-T.
Other names: c.1685G>A, p.Ser562Asn (NM_001414244.1, NM_001414245.1, NM_001414246.1 and 4 more transcripts); c.1487G>A, p.Ser496Asn (NM_001414247.1); c.1232G>A, p.Ser411Asn (NM_001414252.1, NM_001414253.1, NM_001414254.1); short protein forms S496N, S411N, S562N.
Identifiers: ClinVar variation 2189378 (VCV002189378.4), dbSNP rs151077608, ClinGen allele CA6455617.